The following is an entry in ClinVar:

NM_015335.5(MED13L):c.4595C>T (p.Pro1532Leu)

Gene: MED13L (mediator complex subunit 13L; minus strand). Cytogenetic location: 12q24.21.
Variant type: single nucleotide variant.
Coding change: c.4595C>T on transcript NM_015335.5 (MANE Select); coding-DNA position 4595, C replaced by T.
Protein change: p.Pro1532Leu; replaces proline 1532 with leucine.
Molecular consequence: missense variant.
Genome position (GRCh38, 1-based): chr12:115,983,477, G>A on the plus strand (C>T on the coding strand, the complement: MED13L is on the minus strand). VCF-style: chr12-115983477-G-A. GRCh37 (hg19) VCF-style: chr12-116421282-G-A.
Other names: short protein forms P1532L.
Identifiers: ClinVar variation 4759958 (VCV004759958.1).

ClinVar aggregate classification (germline): Uncertain significance (1 of 4 stars; one submission).

Conditions:
Dextro-looped transposition of the great arteries. Also called: Dextrotransposition of the great arteries. Identifiers: Orphanet 860, MedGen C3531771, MONDO:0019443, OMIM 608808, HP:0031348.

gnomAD v4.1: 1 of 1,614,128 alleles (0.000062%); highest among the groups gnomAD compares: Non-Finnish European, 0.000085%; no homozygotes.

Submission:

Labcorp Genetics (formerly Invitae), Labcorp
Classification: Uncertain significance for Dextro-looped transposition of the great arteries. Last evaluated: 2025-09-27. Review status: criteria provided, single submitter. Criteria: Invitae Variant Classification Sherloc (09022015). Collection method: clinical testing. Allele origin: germline.
Comment: This sequence change replaces proline, which is neutral and non-polar, with leucine, which is neutral and non-polar, at codon 1532 of the MED13L protein (p.Pro1532Leu). This variant is not present in population databases (gnomAD no frequency). This variant has not been reported in the literature in individuals affected with MED13L-related conditions. Invitae Evidence Modeling of protein sequence and biophysical properties (such as structural, functional, and spatial information, amino acid conservation, physicochemical variation, residue mobility, and thermodynamic stability) indicates that this missense variant is not expected to disrupt MED13L protein function with a negative predictive value of 80%. In summary, the available evidence is currently insufficient to determine the role of this variant in disease. Therefore, it has been classified as a Variant of Uncertain Significance.